The following is an entry in ClinVar:

NM_032802.4(SPPL2A):c.842G>A (p.Arg281His)

Gene: SPPL2A (signal peptide peptidase like 2A; minus strand). Cytogenetic location: 15q21.2.
Variant type: single nucleotide variant.
Coding change: c.842G>A on transcript NM_032802.4 (MANE Select); coding-DNA position 842, G replaced by A.
Protein change: p.Arg281His; replaces arginine 281 with histidine.
Molecular consequence: missense variant.
Genome position (GRCh38, 1-based): chr15:50,736,191, C>T on the plus strand (G>A on the coding strand, the complement: SPPL2A is on the minus strand). VCF-style: chr15-50736191-C-T. GRCh37 (hg19) VCF-style: chr15-51028388-C-T.
Other names: short protein forms R281H.
Identifiers: ClinVar variation 1510404 (VCV001510404.7), dbSNP rs139684176, ClinGen allele CA7558386.

ClinVar aggregate classification (germline): Uncertain significance. Review status: criteria provided, multiple submitters, no conflicts (2 of 4 stars). 2 submissions from 2 submitters: Uncertain significance (2). Last evaluated 2026-01-26.

Allele frequency attached by ClinVar (database versions not stated): 1000 Genomes Project 30x 0.00016; 1000 Genomes Project 0.00020; TOPMed 0.00066; gnomAD 0.00080 and 0.00083; ESP Exome Variant Server 0.00085; gnomAD exomes 0.00085 and 0.00116; ExAC 0.00106.
gnomAD v4.1: 1,768 of 1,605,558 alleles (0.11%); highest among the groups gnomAD compares: Non-Finnish European, 0.15%; 3 homozygotes.

Submissions (2):

Labcorp Genetics (formerly Invitae), Labcorp
Classification: Uncertain significance. Last evaluated: 2026-01-26. Review status: criteria provided, single submitter. Criteria: Invitae Variant Classification Sherloc (09022015). Collection method: clinical testing. Allele origin: germline.
Comment: This sequence change replaces arginine, which is basic and polar, with histidine, which is basic and polar, at codon 281 of the SPPL2A protein (p.Arg281His). This variant is present in population databases (rs139684176, gnomAD 0.2%), and has an allele count higher than expected for a pathogenic variant. This variant has not been reported in the literature in individuals affected with SPPL2A-related conditions. ClinVar contains an entry for this variant (Variation ID: 1510404). An algorithm developed to predict the effect of missense changes on protein structure and function (PolyPhen-2) suggests that this variant is likely to be tolerated. In summary, the available evidence is currently insufficient to determine the role of this variant in disease. Therefore, it has been classified as a Variant of Uncertain Significance.

Breakthrough Genomics
Classification: Uncertain significance. Review status: criteria provided, single submitter. Criteria: ACMG Guidelines, 2015. Collection method: not provided. Allele origin: germline. Inheritance: Autosomal recessive inheritance. Affected: yes.